The following is an entry in ClinVar:

ClinVar aggregate classification (germline): Uncertain significance (1 of 4 stars; one submission).

Conditions:
RASopathy. Also called: rasopathies; Noonan spectrum disorder. Identifiers: Orphanet 536391, MedGen C5555857, MONDO:0021060.

Submission:

Labcorp Genetics (formerly Invitae), Labcorp
Classification: Uncertain significance for RASopathy. Last evaluated: 2017-06-30. Review status: criteria provided, single submitter. Criteria: Invitae Variant Classification Sherloc (09022015). Collection method: clinical testing. Allele origin: germline.
Comment: This variant is a gross duplication of the genomic region encompassing exons 3-18 of the BRAF gene. The 5' boundary is likely confined to intron 2. The 3' end of this event is unknown as it extends beyond the assayed region for this gene and therefore may encompass additional genes. The exact location of this variant in the genome is unknown. This variant has not been reported in the literature in individuals with a BRAF-related disease. In summary, this variant has uncertain impact on BRAF function. The available evidence is currently insufficient to determine its role in disease. Therefore, it has been classified as a Variant of Uncertain Significance.

NC_000007.13:g.(?_140434377)_(140534692_?)dup

Genes: BRAF (B-Raf proto-oncogene, serine/threonine kinase; minus strand), LOC126860202 (BRD4-independent group 4 enhancer GRCh37_chr7:140493623-140494822; plus strand), LOC129389895 (MPRA-validated peak6789 silencer; plus strand), LOC129389896 (MPRA-validated peak6790 silencer; plus strand), LOC129389897 (MPRA-validated peak6791 silencer; plus strand). Cytogenetic location: 7q34.
Variant type: Duplication.
Identifiers: ClinVar variation 477661 (VCV000477661.1).